The following is an entry in ClinVar:

NM_001278116.2(L1CAM):c.3166+1G>T

Gene: L1CAM (L1 cell adhesion molecule; minus strand). Cytogenetic location: Xq28.
Variant type: single nucleotide variant.
Coding change: c.3166+1G>T on transcript NM_001278116.2 (MANE Select); the canonical splice donor site of the intron after coding-DNA position 3166, G replaced by T.
Molecular consequence: splice donor variant.
Genome position (GRCh38, 1-based): chrX:153,864,584, C>A on the plus strand (G>T on the coding strand, the complement: L1CAM is on the minus strand). VCF-style: chrX-153864584-C-A. GRCh37 (hg19) VCF-style: chrX-153130039-C-A.
Other names: c.3151+1G>T (NM_001143963.2); c.3166+1G>T (NM_024003.3, NM_000425.5).
Identifiers: ClinVar variation 937108 (VCV000937108.10), dbSNP rs1603273984, ClinGen allele CA415111507.

ClinVar aggregate classification (germline): Pathogenic (1 of 4 stars; one submission).

Conditions:
Spastic paraplegia. Identifiers: MedGen C0037772, HP:0001258.

Submission:

Labcorp Genetics (formerly Invitae), Labcorp
Classification: Pathogenic for Spastic paraplegia. Last evaluated: 2020-04-13. Review status: criteria provided, single submitter. Criteria: Invitae Variant Classification Sherloc (09022015). Collection method: clinical testing. Allele origin: germline.
Comment: This variant is not present in population databases (ExAC no frequency). This sequence change affects a donor splice site in intron 23 of the L1CAM gene. It is expected to disrupt RNA splicing and likely results in an absent or disrupted protein product. Disruption of this splice site has been observed to be de novo in an individual affected with L1 Syndrome (PMID: 29960101). For these reasons, this variant has been classified as Pathogenic. Donor and acceptor splice site variants typically lead to a loss of protein function (PMID: 16199547), and loss-of-function variants in L1CAM are known to be pathogenic (PMID: 19846429).

Literature cited by the submitters: PubMed 29960101; PubMed 16199547; PubMed 19846429.